The following is an entry in ClinVar:

NM_017763.6(RNF43):c.1817C>A (p.Pro606His)

Gene: RNF43 (ring finger protein 43; minus strand). Cytogenetic location: 17q22.
Variant type: single nucleotide variant.
Coding change: c.1817C>A on transcript NM_017763.6 (MANE Select); coding-DNA position 1817, C replaced by A.
Protein change: p.Pro606His; replaces proline 606 with histidine.
Molecular consequence: missense variant.
Genome position (GRCh38, 1-based): chr17:58,357,959, G>T on the plus strand (C>A on the coding strand, the complement: RNF43 is on the minus strand). VCF-style: chr17-58357959-G-T. GRCh37 (hg19) VCF-style: chr17-56435320-G-T.
Other names: c.1817C>A, p.Pro606His (NM_001305544.3); c.1436C>A, p.Pro479His (NM_001305545.2); c.1817C>A (NM_017763.4); short protein forms P479H, P606H.
Identifiers: ClinVar variation 1471074 (VCV001471074.9), dbSNP rs754263377, ClinGen allele CA8673109.

ClinVar aggregate classification (germline): Uncertain significance. Review status: criteria provided, multiple submitters, no conflicts (2 of 4 stars). 2 submissions from 2 submitters: Uncertain significance (2). Last evaluated 2026-04-03.

Allele frequency attached by ClinVar (database versions not stated): gnomAD exomes below 0.00001; ExAC 0.00001.
gnomAD v4.1: 1 of 1,611,418 alleles (0.000062%); highest among the groups gnomAD compares: Non-Finnish European, 0.000085%; no homozygotes.

Submissions (2):

Ambry Genetics
Classification: Uncertain significance. Last evaluated: 2026-04-03. Review status: criteria provided, single submitter. Criteria: Ambry Variant Classification Scheme 2023. Collection method: clinical testing. Allele origin: germline.
Comment: The p.P606H variant (also known as c.1817C>A), located in coding exon 8 of the RNF43 gene, results from a C to A substitution at nucleotide position 1817. The proline at codon 606 is replaced by histidine, an amino acid with similar properties. This amino acid position is conserved. In addition, this alteration is predicted to be tolerated by in silico analysis. Based on the available evidence, the clinical significance of this variant remains unclear.

Labcorp Genetics (formerly Invitae), Labcorp
Classification: Uncertain significance. Last evaluated: 2020-12-07. Review status: criteria provided, single submitter. Criteria: Invitae Variant Classification Sherloc (09022015). Collection method: clinical testing. Allele origin: germline.
Comment: In summary, the available evidence is currently insufficient to determine the role of this variant in disease. Therefore, it has been classified as a Variant of Uncertain Significance. Algorithms developed to predict the effect of missense changes on protein structure and function are either unavailable or do not agree on the potential impact of this missense change (SIFT: "Deleterious"; PolyPhen-2: "Possibly Damaging"; Align-GVGD: "Class C0"). This variant has not been reported in the literature in individuals with RNF43-related conditions. This variant is present in population databases (rs754263377, ExAC 0.002%). This sequence change replaces proline with histidine at codon 606 of the RNF43 protein (p.Pro606His). The proline residue is weakly conserved and there is a moderate physicochemical difference between proline and histidine.